The following is an entry in ClinVar:

NM_001374259.2(IL12RB2):c.1274G>A (p.Arg425His)

Gene: IL12RB2 (interleukin 12 receptor subunit beta 2; plus strand). Cytogenetic location: 1p31.3.
Variant type: single nucleotide variant.
Coding change: c.1274G>A on transcript NM_001374259.2 (MANE Select); coding-DNA position 1274, G replaced by A.
Protein change: p.Arg425His; replaces arginine 425 with histidine.
Molecular consequence: missense variant. On other transcripts: non-coding transcript variant (2).
Genome position (GRCh38, 1-based): chr1:67,367,840, G>A. VCF-style: chr1-67367840-G-A. GRCh37 (hg19) VCF-style: chr1-67833523-G-A.
Other names: c.1274G>A, p.Arg425His (NM_001258214.1, NM_001258215.1, NM_001258216.1 and 2 more transcripts); short protein forms R425H.
Identifiers: ClinVar variation 4750051 (VCV004750051.1).

ClinVar aggregate classification (germline): Uncertain significance (1 of 4 stars; one submission).

gnomAD v4.1: 10 of 1,590,290 alleles (0.00063%); highest among the groups gnomAD compares: East Asian, 0.0022%; no homozygotes.

Submission:

Labcorp Genetics (formerly Invitae), Labcorp
Classification: Uncertain significance. Last evaluated: 2025-10-29. Review status: criteria provided, single submitter. Criteria: Invitae Variant Classification Sherloc (09022015). Collection method: clinical testing. Allele origin: germline.
Comment: This sequence change replaces arginine, which is basic and polar, with histidine, which is basic and polar, at codon 425 of the IL12RB2 protein (p.Arg425His). This variant is present in population databases (rs754781792, gnomAD 0.01%). This variant has not been reported in the literature in individuals affected with IL12RB2-related conditions. An algorithm developed to predict the effect of missense changes on protein structure and function outputs the following: PolyPhen-2: "Benign". The histidine amino acid residue is found in multiple mammalian species, which suggests that this missense change does not adversely affect protein function. In summary, the available evidence is currently insufficient to determine the role of this variant in disease. Therefore, it has been classified as a Variant of Uncertain Significance.